The following is an entry in ClinVar:

ClinVar aggregate classification (germline): Pathogenic (1 of 4 stars; one submission).

Submission:

Labcorp Genetics (formerly Invitae), Labcorp
Classification: Pathogenic. Last evaluated: 2024-01-22. Review status: criteria provided, single submitter. Criteria: Invitae Variant Classification Sherloc (09022015). Collection method: clinical testing. Allele origin: germline.
Comment: This sequence change creates a premature translational stop signal (p.Glu384*) in the PCLO gene. It is expected to result in an absent or disrupted protein product. Loss-of-function variants in PCLO are known to be pathogenic (PMID: 25832664, 30287594). This variant is not present in population databases (gnomAD no frequency). This variant has not been reported in the literature in individuals affected with PCLO-related conditions. For these reasons, this variant has been classified as Pathogenic.

Literature cited by the submitters: PubMed 25832664; PubMed 30287594.

NM_033026.6(PCLO):c.1150G>T (p.Glu384Ter)

Gene: PCLO (piccolo presynaptic cytomatrix protein; minus strand). Cytogenetic location: 7q21.11.
Variant type: single nucleotide variant.
Coding change: c.1150G>T on transcript NM_033026.6 (MANE Select); coding-DNA position 1150, G replaced by T.
Protein change: p.Glu384Ter; replaces glutamic acid 384 with a stop codon.
Molecular consequence: nonsense.
Genome position (GRCh38, 1-based): chr7:83,155,491, C>A on the plus strand (G>T on the coding strand, the complement: PCLO is on the minus strand). VCF-style: chr7-83155491-C-A. GRCh37 (hg19) VCF-style: chr7-82784807-C-A.
Other names: c.1150G>T, p.Glu384Ter (NM_014510.3); short protein forms E384*.
Identifiers: ClinVar variation 2710830 (VCV002710830.3), dbSNP rs2484902100, ClinGen allele CA367915454.